The following is an entry in ClinVar:

NM_002772.3(TMPRSS15):c.278T>C (p.Ile93Thr)

Gene: TMPRSS15 (transmembrane serine protease 15; minus strand). Cytogenetic location: 21q21.1.
Variant type: single nucleotide variant.
Coding change: c.278T>C on transcript NM_002772.3 (MANE Select); coding-DNA position 278, T replaced by C.
Protein change: p.Ile93Thr; replaces isoleucine 93 with threonine.
Molecular consequence: missense variant.
Genome position (GRCh38, 1-based): chr21:18,397,945, A>G on the plus strand (T>C on the coding strand, the complement: TMPRSS15 is on the minus strand). VCF-style: chr21-18397945-A-G. GRCh37 (hg19) VCF-style: chr21-19770262-A-G.
Other names: c.278T>C (NM_002772.2); short protein forms I93T.
Identifiers: ClinVar variation 2120186 (VCV002120186.3), dbSNP rs377542918, ClinGen allele CA9984806.

ClinVar aggregate classification (germline): Uncertain significance. Review status: criteria provided, multiple submitters, no conflicts (2 of 4 stars). 2 submissions from 2 submitters: Uncertain significance (2). Last evaluated 2024-11-19.

Allele frequency attached by ClinVar (database versions not stated): gnomAD exomes 0.00001; gnomAD 0.00002; TOPMed 0.00006; ExAC 0.00009; ESP Exome Variant Server 0.00024.
gnomAD v4.1: 17 of 1,482,100 alleles (0.0011%); highest among the groups gnomAD compares: African/African-American, 0.02%; no homozygotes.

Submissions (2):

Ambry Genetics
Classification: Uncertain significance. Last evaluated: 2024-11-19. Review status: criteria provided, single submitter. Criteria: Ambry Variant Classification Scheme 2023. Collection method: clinical testing. Allele origin: germline.

Labcorp Genetics (formerly Invitae), Labcorp
Classification: Uncertain significance. Last evaluated: 2022-05-08. Review status: criteria provided, single submitter. Criteria: Invitae Variant Classification Sherloc (09022015). Collection method: clinical testing. Allele origin: germline.
Comment: This sequence change replaces isoleucine, which is neutral and non-polar, with threonine, which is neutral and polar, at codon 93 of the TMPRSS15 protein (p.Ile93Thr). This variant is present in population databases (rs377542918, gnomAD 0.03%). This variant has not been reported in the literature in individuals affected with TMPRSS15-related conditions. Algorithms developed to predict the effect of missense changes on protein structure and function are either unavailable or do not agree on the potential impact of this missense change (SIFT: "Not Available"; PolyPhen-2: "Possibly Damaging"; Align-GVGD: "Not Available"). In summary, the available evidence is currently insufficient to determine the role of this variant in disease. Therefore, it has been classified as a Variant of Uncertain Significance.